The following is an entry in ClinVar:

ClinVar aggregate classification (germline): Uncertain significance (1 of 4 stars; one submission).

Conditions:
Isovaleryl-CoA dehydrogenase deficiency (IVA). Also called: IVD DEFICIENCY; Classic Isovaleric Acidemia; ISOVALERIC ACID CoA DEHYDROGENASE DEFICIENCY; Isovaleric acidemia. Identifiers: Orphanet 33, MedGen C0268575, MONDO:0009475, OMIM 243500.

Allele frequency attached by ClinVar (database versions not stated): gnomAD exomes below 0.00001.
gnomAD v4.1: 4 of 1,614,192 alleles (0.00025%); highest among the groups gnomAD compares: South Asian, 0.0011%; no homozygotes.

Submission:

Labcorp Genetics (formerly Invitae), Labcorp
Classification: Uncertain significance for Isovaleryl-CoA dehydrogenase deficiency. Last evaluated: 2022-04-17. Review status: criteria provided, single submitter. Criteria: Invitae Variant Classification Sherloc (09022015). Collection method: clinical testing. Allele origin: germline.
Comment: This sequence change replaces arginine, which is basic and polar, with glutamine, which is neutral and polar, at codon 223 of the IVD protein (p.Arg223Gln). This variant is not present in population databases (gnomAD no frequency). This variant has not been reported in the literature in individuals affected with IVD-related conditions. Algorithms developed to predict the effect of missense changes on protein structure and function output the following: SIFT: "Tolerated"; PolyPhen-2: "Benign"; Align-GVGD: "Class C0". The glutamine amino acid residue is found in multiple mammalian species, which suggests that this missense change does not adversely affect protein function. Algorithms developed to predict the effect of sequence changes on RNA splicing suggest that this variant may create or strengthen a splice site. In summary, the available evidence is currently insufficient to determine the role of this variant in disease. Therefore, it has been classified as a Variant of Uncertain Significance.

NM_002225.5(IVD):c.659G>A (p.Arg220Gln)

Gene: IVD (isovaleryl-CoA dehydrogenase; plus strand). Cytogenetic location: 15q15.1.
Variant type: single nucleotide variant.
Coding change: c.659G>A on transcript NM_002225.5 (MANE Select); coding-DNA position 659, G replaced by A.
Protein change: p.Arg220Gln; replaces arginine 220 with glutamine.
Molecular consequence: missense variant. On other transcripts: non-coding transcript variant (1).
Genome position (GRCh38, 1-based): chr15:40,411,663, G>A. VCF-style: chr15-40411663-G-A. GRCh37 (hg19) VCF-style: chr15-40703862-G-A.
Other names: c.569G>A, p.Arg190Gln (NM_001159508.3); c.611G>A, p.Arg204Gln (NM_001354597.3); c.659G>A, p.Arg220Gln (NM_001354598.3, NM_001354601.3); c.746G>A, p.Arg249Gln (NM_001354599.3, NM_001354600.3); short protein forms R220Q, R204Q, R249Q, R190Q.
Identifiers: ClinVar variation 2157673 (VCV002157673.1), dbSNP rs1595773441, ClinGen allele CA391717854.